The following is an entry in ClinVar:

NM_001813.3(CENPE):c.3805C>G (p.Gln1269Glu)

Gene: CENPE (centromere protein E; minus strand). Cytogenetic location: 4q24.
Variant type: single nucleotide variant.
Coding change: c.3805C>G on transcript NM_001813.3 (MANE Select); coding-DNA position 3805, C replaced by G.
Protein change: p.Gln1269Glu; replaces glutamine 1269 with glutamic acid.
Molecular consequence: missense variant.
Genome position (GRCh38, 1-based): chr4:103,148,882, G>C on the plus strand (C>G on the coding strand, the complement: CENPE is on the minus strand). VCF-style: chr4-103148882-G-C. GRCh37 (hg19) VCF-style: chr4-104070039-G-C.
Other names: c.3730C>G, p.Gln1244Glu (NM_001286734.2); short protein forms Q1244E, Q1269E.
Identifiers: ClinVar variation 1311738 (VCV001311738.2), dbSNP rs138064215, ClinGen allele CA3029971.
Genomic context (GRCh38, chr4:103,148,882, plus strand): 5'-ATGAAAGGAATAAAAGACATACCTCTTCTTGTAATTTGGTATGGGATTTTTCTAAGTCCT[G>C]AGTATTTATTATTTGAGCTGTCTTCTCAGATACGCTTCTTCTTAGTTCATCAATAGTTTC-3'
Protein context (NP_001804.2, residues 1259-1279): SEKTAQIINT[Gln1269Glu]DLEKSHTKLQ

ClinVar aggregate classification (germline): Uncertain significance (1 of 4 stars; one submission).

Allele frequency attached by ClinVar (database versions not stated): gnomAD 0.00003 and 0.00004; TOPMed 0.00003; gnomAD exomes 0.00004 and 0.00007; ExAC 0.00006; ESP Exome Variant Server 0.00015.
gnomAD v4.1: 106 of 1,613,276 alleles (0.0066%); highest among the groups gnomAD compares: Non-Finnish European, 0.0088%; no homozygotes.

Submission:

GeneDx
Classification: Uncertain significance. Last evaluated: 2020-03-19. Review status: criteria provided, single submitter. Criteria: GeneDx Variant Classification Process June 2021. Collection method: clinical testing. Allele origin: germline. Affected: yes.
Comment: Not observed at a significant frequency in large population cohorts (Lek et al., 2016); In silico analysis supports that this missense variant does not alter protein structure/function; Has not been previously published as pathogenic or benign to our knowledge